The following is an entry in ClinVar:

ClinVar aggregate classification (germline): Uncertain significance (1 of 4 stars; one submission).

Submission:

Mayo Clinic Laboratories, Mayo Clinic
Classification: Uncertain significance. Last evaluated: 2024-02-12. Review status: criteria provided, single submitter. Criteria: ACMG Guidelines, 2015. Collection method: clinical testing. Allele origin: germline. Observed: 1 variant allele.
Comment: PM2

NM_001164508.2(NEB):c.575T>C (p.Leu192Pro)

Gene: NEB (nebulin; minus strand). Cytogenetic location: 2q23.3.
Variant type: single nucleotide variant.
Coding change: c.575T>C on transcript NM_001164508.2 (MANE Select); coding-DNA position 575, T replaced by C.
Protein change: p.Leu192Pro; replaces leucine 192 with proline.
Molecular consequence: missense variant.
Genome position (GRCh38, 1-based): chr2:151,724,297, A>G on the plus strand (T>C on the coding strand, the complement: NEB is on the minus strand). VCF-style: chr2-151724297-A-G. GRCh37 (hg19) VCF-style: chr2-152580811-A-G.
Other names: p.Leu192Pro; c.575T>C, p.Leu192Pro (NM_001164507.2, NM_001271208.2, NM_004543.5); short protein forms L192P.
Identifiers: ClinVar variation 3380842 (VCV003380842.1).